The following is an entry in ClinVar:

NM_004612.4(TGFBR1):c.575-13T>C

Gene: TGFBR1 (transforming growth factor beta receptor 1; plus strand). Cytogenetic location: 9q22.33.
Variant type: single nucleotide variant.
Coding change: c.575-13T>C on transcript NM_004612.4 (MANE Select); 13 bases into the intron before coding-DNA position 575, T replaced by C.
Molecular consequence: intron variant.
Genome position (GRCh38, 1-based): chr9:99,137,846, T>C. VCF-style: chr9-99137846-T-C. GRCh37 (hg19) VCF-style: chr9-101900128-T-C.
Other names: c.380-13T>C (NM_001407418.1, NM_001407419.1, NM_001407422.1 and 1 more transcripts); c.368-13T>C (NM_001407423.1, NM_001407424.1, NM_001407425.1 and 8 more transcripts); c.587-13T>C (NM_001306210.2, NM_001407416.1); c.575-13T>C (NM_001407417.1); c.575-4690T>C (NM_001407435.1); c.344-13T>C (NM_001130916.3); c.329-13T>C (NM_001407436.1); c.98-13T>C (NM_001407438.1); and 1 more.
Identifiers: ClinVar variation 3386043 (VCV003386043.1).

ClinVar aggregate classification (germline): Likely benign (1 of 4 stars; one submission).

Conditions:
Loeys-Dietz syndrome (LDS). Identifiers: Orphanet 60030, MedGen C2697932, MONDO:0018954.

gnomAD v4.1: 1 of 1,607,390 alleles (0.000062%); highest among the groups gnomAD compares: African/African-American, 0.0013%; no homozygotes.

Submission:

All of Us Research Program, National Institutes of Health
Classification: Likely benign for Loeys-Dietz syndrome. Last evaluated: 2024-05-14. Review status: criteria provided, single submitter. Criteria: ACMG Guidelines, 2015. Collection method: clinical testing. Allele origin: germline. Inheritance: Autosomal dominant inheritance. Observed: 1 variant allele, 1 heterozygote.
Comment: This study involves interpretation of variants in research participants for the purpose of population health screening. Participant phenotype was not available at the time of variant classification. Additional details can be found in publication PMID: 35346344, PMCID: PMC8962531